The following is an entry in ClinVar:

ClinVar aggregate classification (germline): Uncertain significance (1 of 4 stars; one submission).

Submission:

Labcorp Genetics (formerly Invitae), Labcorp
Classification: Uncertain significance. Last evaluated: 2025-06-17. Review status: criteria provided, single submitter. Criteria: Invitae Variant Classification Sherloc (09022015). Collection method: clinical testing. Allele origin: germline.
Comment: This sequence change replaces arginine, which is basic and polar, with glycine, which is neutral and non-polar, at codon 37 of the TOPORS protein (p.Arg37Gly). This variant is not present in population databases (gnomAD no frequency). This variant has not been reported in the literature in individuals affected with TOPORS-related conditions. ClinVar contains an entry for this variant (Variation ID: 1720409). An algorithm developed to predict the effect of missense changes on protein structure and function (PolyPhen-2) suggests that this variant is likely to be disruptive. In summary, the available evidence is currently insufficient to determine the role of this variant in disease. Therefore, it has been classified as a Variant of Uncertain Significance.

NM_005802.5(TOPORS):c.109C>G (p.Arg37Gly)

Gene: TOPORS (TOP1 binding arginine/serine rich protein, E3 ubiquitin ligase; minus strand). Cytogenetic location: 9p21.1.
Variant type: single nucleotide variant.
Coding change: c.109C>G on transcript NM_005802.5 (MANE Select); coding-DNA position 109, C replaced by G.
Protein change: p.Arg37Gly; replaces arginine 37 with glycine.
Molecular consequence: missense variant. On other transcripts: intron variant (1).
Genome position (GRCh38, 1-based): chr9:32,550,863, G>C on the plus strand (C>G on the coding strand, the complement: TOPORS is on the minus strand). VCF-style: chr9-32550863-G-C. GRCh37 (hg19) VCF-style: chr9-32550861-G-C.
Other names: c.3+1571C>G (NM_001195622.2); short protein forms R37G.
Identifiers: ClinVar variation 1720409 (VCV001720409.5), dbSNP rs769343027, ClinGen allele CA373173555.
Genomic context (GRCh38, chr9:32,550,863, plus strand): 5'-GGGCGCTCGCCGCGAGCTCCCGGCAGCCCAGAAAGCTAGGTCGGTGTCGGCAGGATCCGC[G>C]AAGGCGTACCCGGCGACTTCTCCGCCTACCCTCCGAAGCGGGAGCAGGCGGGGGCGCTTC-3'
Protein context (NP_005793.2, residues 27-47): GRRRSRRVRL[Arg37Gly]GSCRHRPSFL